The following is an entry in ClinVar:

ClinVar aggregate classification (germline): Uncertain significance (1 of 4 stars; one submission).

Conditions:
Dyskeratosis congenita, autosomal dominant 6 (DKCA6). Identifiers: Orphanet 3322, MedGen C4225284, MONDO:0014690, OMIM 616553.

Allele frequency attached by ClinVar (database versions not stated): ExAC 0.00002; TOPMed 0.00003.
gnomAD v4.1: 3 of 1,612,546 alleles (0.00019%); highest among the groups gnomAD compares: Admixed American, 0.0033%; no homozygotes.

Submission:

Labcorp Genetics (formerly Invitae), Labcorp
Classification: Uncertain significance for Dyskeratosis congenita, autosomal dominant 6. Last evaluated: 2019-07-21. Review status: criteria provided, single submitter. Criteria: Invitae Variant Classification Sherloc (09022015). Collection method: clinical testing. Allele origin: germline.
Comment: In summary, the available evidence is currently insufficient to determine the role of this variant in disease. Therefore, it has been classified as a Variant of Uncertain Significance. Algorithms developed to predict the effect of missense changes on protein structure and function output the following: SIFT: "Tolerated"; PolyPhen-2: "Benign"; Align-GVGD: "Class C0". The leucine amino acid residue is found in multiple mammalian species, suggesting that this missense change does not adversely affect protein function. These predictions have not been confirmed by published functional studies and their clinical significance is uncertain. This variant has not been reported in the literature in individuals with ACD-related conditions. This variant is present in population databases (rs746445437, ExAC 0.02%). This sequence change replaces histidine with leucine at codon 79 of the ACD protein (p.His79Leu). The histidine residue is weakly conserved and there is a moderate physicochemical difference between histidine and leucine.

NM_001082486.2(ACD):c.-23A>T

Gene: ACD (ACD shelterin complex subunit and telomerase recruitment factor; minus strand). Cytogenetic location: 16q22.1.
Variant type: single nucleotide variant.
Coding change: c.-23A>T on transcript NM_001082486.2 (MANE Select); 23 bases upstream of the start codon, A replaced by T.
Molecular consequence: 5 prime UTR variant.
Genome position (GRCh38, 1-based): chr16:67,660,243, T>A on the plus strand (A>T on the coding strand, the complement: ACD is on the minus strand). VCF-style: chr16-67660243-T-A. GRCh37 (hg19) VCF-style: chr16-67694146-T-A.
Other names: c.-23A>T (NM_022914.3).
Identifiers: ClinVar variation 942142 (VCV000942142.9), dbSNP rs746445437, ClinGen allele CA8114858.